The following is an entry in ClinVar:

ClinVar aggregate classification (germline): Uncertain significance (1 of 4 stars; one submission).

Conditions:
Nephronophthisis 14 (NPHP14). Identifiers: Orphanet 2318, MedGen C3539071, MONDO:0013916, OMIM 614844.

Submission:

Labcorp Genetics (formerly Invitae), Labcorp
Classification: Uncertain significance for Nephronophthisis 14. Last evaluated: 2022-08-11. Review status: criteria provided, single submitter. Criteria: Invitae Variant Classification Sherloc (09022015). Collection method: clinical testing. Allele origin: germline.
Comment: In summary, the available evidence is currently insufficient to determine the role of this variant in disease. Therefore, it has been classified as a Variant of Uncertain Significance. Algorithms developed to predict the effect of missense changes on protein structure and function (SIFT, PolyPhen-2, Align-GVGD) all suggest that this variant is likely to be tolerated. This variant has not been reported in the literature in individuals affected with ZNF423-related conditions. This variant is not present in population databases (gnomAD no frequency). This sequence change replaces histidine, which is basic and polar, with arginine, which is basic and polar, at codon 781 of the ZNF423 protein (p.His781Arg).

NM_001379286.1(ZNF423):c.2366A>G (p.His789Arg)

Gene: ZNF423 (zinc finger protein 423; minus strand). Cytogenetic location: 16q12.1.
Variant type: single nucleotide variant.
Coding change: c.2366A>G on transcript NM_001379286.1 (MANE Select); coding-DNA position 2366, A replaced by G.
Protein change: p.His789Arg; replaces histidine 789 with arginine.
Molecular consequence: missense variant.
Genome position (GRCh38, 1-based): chr16:49,636,810, T>C on the plus strand (A>G on the coding strand, the complement: ZNF423 is on the minus strand). VCF-style: chr16-49636810-T-C. GRCh37 (hg19) VCF-style: chr16-49670721-T-C.
Other names: c.2162A>G, p.His721Arg (NM_001271620.2); c.1991A>G, p.His664Arg (NM_001330533.2); c.2342A>G, p.His781Arg (NM_015069.5); short protein forms H664R, H721R, H781R, H789R.
Identifiers: ClinVar variation 1716109 (VCV001716109.5), dbSNP rs2506992083, ClinGen allele CA395843182.